The following is an entry in ClinVar:

ClinVar aggregate classification (germline): Pathogenic. Review status: reviewed by expert panel (3 of 4 stars). 2 submissions from 2 submitters: Pathogenic (1). 1 of the submissions does not count toward it. Last evaluated 2016-10-18.

Conditions:
Breast-ovarian cancer, familial, susceptibility to, 2 (BROVCA2). Also called: BRCA2 Hereditary Breast and Ovarian Cancer. Identifiers: Orphanet 145, MedGen C2675520, MONDO:0012933, OMIM 612555. Disease mechanism: loss of function.

Submissions (2):

Evidence-based Network for the Interpretation of Germline Mutant Alleles (ENIGMA)
Classification: Pathogenic for Breast-ovarian cancer, familial, susceptibility to, 2. Last evaluated: 2016-10-18. Review status: reviewed by expert panel. Criteria: ENIGMA BRCA1/2 Classification Criteria (2015). Collection method: curation. Allele origin: germline.
Comment: Variant allele predicted to encode a truncated non-functional protein.

Consortium of Investigators of Modifiers of BRCA1/2 (CIMBA), c/o University of Cambridge
Classification: Pathogenic for Breast-ovarian cancer, familial, susceptibility to, 2. Last evaluated: 2015-10-02. Review status: criteria provided, single submitter. Criteria: CIMBA Mutation Classification guidelines May 2016. Collection method: clinical testing. Allele origin: germline. Not counted in ClinVar's aggregate classification.

NM_000059.4(BRCA2):c.6557C>G (p.Ser2186Ter)

Gene: BRCA2 (BRCA2 DNA repair associated; plus strand). Cytogenetic location: 13q13.1.
Variant type: single nucleotide variant.
Coding change: c.6557C>G on transcript NM_000059.4 (MANE Select); coding-DNA position 6557, C replaced by G.
Protein change: p.Ser2186Ter; replaces serine 2186 with a stop codon.
Molecular consequence: nonsense.
Genome position (GRCh38, 1-based): chr13:32,340,912, C>G. VCF-style: chr13-32340912-C-G. GRCh37 (hg19) VCF-style: chr13-32915049-C-G.
Other names: 6785C>G S2186ter; short protein forms S2186*.
Identifiers: ClinVar variation 266962 (VCV000266962.5), dbSNP rs397507867, ClinGen allele CA10589391.